The following is an entry in ClinVar:

ClinVar aggregate classification (germline): Uncertain significance (1 of 4 stars; one submission).

Submission:

Labcorp Genetics (formerly Invitae), Labcorp
Classification: Uncertain significance. Last evaluated: 2024-12-15. Review status: criteria provided, single submitter. Criteria: Invitae Variant Classification Sherloc (09022015). Collection method: clinical testing. Allele origin: germline.
Comment: This sequence change replaces valine, which is neutral and non-polar, with isoleucine, which is neutral and non-polar, at codon 529 of the FOXP1 protein (p.Val529Ile). This variant is present in population databases (rs747324863, gnomAD 0.0009%). This variant has not been reported in the literature in individuals affected with FOXP1-related conditions. Invitae Evidence Modeling of protein sequence and biophysical properties (such as structural, functional, and spatial information, amino acid conservation, physicochemical variation, residue mobility, and thermodynamic stability) indicates that this missense variant is expected to disrupt FOXP1 protein function with a positive predictive value of 80%. In summary, the available evidence is currently insufficient to determine the role of this variant in disease. Therefore, it has been classified as a Variant of Uncertain Significance.

NM_001349338.3(FOXP1):c.1585G>A (p.Val529Ile)

Gene: FOXP1 (forkhead box P1; minus strand). Cytogenetic location: 3p13.
Variant type: single nucleotide variant.
Coding change: c.1585G>A on transcript NM_001349338.3 (MANE Select); coding-DNA position 1585, G replaced by A.
Protein change: p.Val529Ile; replaces valine 529 with isoleucine.
Molecular consequence: missense variant. On other transcripts: non-coding transcript variant (2), intron variant (1).
Genome position (GRCh38, 1-based): chr3:70,972,622, C>T on the plus strand (G>A on the coding strand, the complement: FOXP1 is on the minus strand). VCF-style: chr3-70972622-C-T. GRCh37 (hg19) VCF-style: chr3-71021773-C-T.
Other names: c.1282G>A, p.Val428Ile (NM_001349344.3, NM_001370548.1, NM_001349337.2 and 1 more transcripts); c.1585G>A, p.Val529Ile (NM_032682.6, NM_001244814.3, NM_001244816.2 and 1 more transcripts); c.1531-442G>A (NM_001244810.2); c.1582G>A, p.Val528Ile (NM_001244808.3, NM_001349341.3); c.1357G>A, p.Val453Ile (NM_001244812.3); c.1285G>A, p.Val429Ile (NM_001244813.3, NM_001244815.2, NM_001349342.3); short protein forms V429I, V428I, V529I, V453I, V528I.
Identifiers: ClinVar variation 3703096 (VCV003703096.2).